The following is an entry in ClinVar:

NM_153676.4(USH1C):c.1559dup (p.Ser521fs)

Gene: USH1C (USH1 protein network component harmonin; minus strand). Cytogenetic location: 11p15.1.
Variant type: Duplication.
Coding change: c.1559dup on transcript NM_153676.4 (MANE Select); coding-DNA position 1559, one base duplicated (C; older notation c.1559dupC).
Protein change: p.Ser521fs; shifts the reading frame from serine 521.
Molecular consequence: frameshift variant. On other transcripts: intron variant (2).
Genome position (GRCh38, 1-based): chr11:17,509,810, G duplicated on the plus strand (C on the coding strand, the reverse complement: USH1C is on the minus strand); the first of 2 consecutive G bases (chr11:17,509,810-17,509,811); duplicating either gives the same sequence. VCF-style (leftmost placement, unchanged base first): chr11-17509809-A-AG. GRCh37 (hg19) VCF-style: chr11-17531356-A-AG.
Other names: c.1284+7591dupC (NM_005709.3, NM_005709.4); c.1227+7590dup (NM_001297764.2); c.1284+7590dup (NM_005709.4); short protein forms S521fs.
Identifiers: ClinVar variation 553953 (VCV000553953.8), dbSNP rs1554957167, ClinGen allele CA597904704.

ClinVar aggregate classification (germline): Uncertain significance. Review status: criteria provided, multiple submitters, no conflicts (2 of 4 stars). 3 submissions from 3 submitters: Uncertain significance (2). 1 of the submissions does not count toward it. Last evaluated 2024-04-19.

Conditions:
Autosomal recessive nonsyndromic hearing loss 18A. Also called: Deafness, autosomal recessive 18A; DEAFNESS, AUTOSOMAL RECESSIVE 18. Identifiers: Orphanet 90636, MedGen C1865870, MONDO:0011192, OMIM 602092.
Usher syndrome type 1C. Also called: USHER SYNDROME, TYPE I, ACADIAN VARIETY. Identifiers: Orphanet 231169, Orphanet 886, MedGen C1848604, MONDO:0010171, OMIM 276904.

Submissions (3):

Women's Health and Genetics/Laboratory Corporation of America, LabCorp
Classification: Uncertain significance. Last evaluated: 2024-04-19. Review status: criteria provided, single submitter. Criteria: LabCorp Variant Classification Summary - May 2015. Collection method: clinical testing. Allele origin: germline.
Comment: Variant summary: USH1C c.1284+7591dupC is located at a position not widely known to affect splicing. Consensus agreement among computation tools predict no significant impact on normal splicing. However, these predictions have yet to be confirmed by functional studies. This variant is present in an alternate transcript, NM_153676 as c.1559dupC; p.Ser521PhefsX22, which may result in premature termination of USH1C gene. However current evidence is not sufficient to provide conclusions about the effect of the variant in this alternate transcript. The variant was absent in 225492 control chromosomes. The available data on variant occurrences in the general population are insufficient to allow any conclusion about variant significance. To our knowledge, no occurrence of c.1284+7591dupC in individuals affected with Usher Syndrome and no experimental evidence demonstrating its impact on protein function have been reported. ClinVar contains an entry for this variant (Variation ID: 553953). Based on the evidence outlined above, the variant was classified as uncertain significance.

Labcorp Genetics (formerly Invitae), Labcorp
Classification: Uncertain significance. Last evaluated: 2022-07-05. Review status: criteria provided, single submitter. Criteria: Invitae Variant Classification Sherloc (09022015). Collection method: clinical testing. Allele origin: germline.
Comment: The USH1C gene has multiple clinically relevant transcripts. This variant occurs in alternate transcript NM_153676.3, and corresponds to NM_005709.3:c.1284+7591dupC in the primary transcript. This sequence change creates a premature translational stop signal (p.Ser521Phefs*22) in the USH1C gene. It is expected to result in an absent or disrupted protein product. However, the current clinical and genetic evidence is not sufficient to establish whether loss-of-function variants in USH1C cause disease. This variant is present in population databases (no rsID available, gnomAD 0.0009%). This variant has not been reported in the literature in individuals affected with USH1C-related conditions. ClinVar contains an entry for this variant (Variation ID: 553953). Algorithms developed to predict the effect of sequence changes on RNA splicing suggest that this variant is not likely to affect RNA splicing. In summary, the available evidence is currently insufficient to determine the role of this variant in disease. Therefore, it has been classified as a Variant of Uncertain Significance.

Counsyl
Classification: Uncertain significance for Usher syndrome type 1C; Autosomal recessive nonsyndromic hearing loss 18A. Last evaluated: 2017-09-20. Review status: no assertion criteria provided. Collection method: clinical testing. Allele origin: unknown. Not counted in ClinVar's aggregate classification.